The following is an entry in ClinVar:

NM_000318.3(PEX2):c.82G>A (p.Ala28Thr)

Gene: PEX2 (peroxisomal biogenesis factor 2; minus strand). Cytogenetic location: 8q21.13.
Variant type: single nucleotide variant.
Coding change: c.82G>A on transcript NM_000318.3 (MANE Select); coding-DNA position 82, G replaced by A.
Protein change: p.Ala28Thr; replaces alanine 28 with threonine.
Molecular consequence: missense variant.
Genome position (GRCh38, 1-based): chr8:76,984,097, C>T on the plus strand (G>A on the coding strand, the complement: PEX2 is on the minus strand). VCF-style: chr8-76984097-C-T. GRCh37 (hg19) VCF-style: chr8-77896333-C-T.
Other names: c.82G>A, p.Ala28Thr (NM_001079867.2, NM_001172086.2, NM_001172087.2); short protein forms A28T.
Identifiers: ClinVar variation 1950754 (VCV001950754.2), dbSNP rs775818070, ClinGen allele CA4788775.
Genomic context (GRCh38, chr8:76,984,097, plus strand): 5'-GCCCAGGTTTAAATCCATGAAAGCACTGAGTAAACTGGGACCAAACTAGCTGCTCCAGGG[C>T]CTTGTTTAGTTCAAGTGCATCCAACTGGCTTATTCTTAGCACTCTGTTTGCACTCTTCGC-3'
Protein context (NP_000309.2, residues 18-38): SQLDALELNK[Ala28Thr]LEQLVWSQFT

ClinVar aggregate classification (germline): Uncertain significance (1 of 4 stars; one submission).

Conditions:
Peroxisome biogenesis disorder 5A (Zellweger) (PBD5A). Identifiers: Orphanet 912, MedGen C3553940, MONDO:0013932, OMIM 614866.

Allele frequency attached by ClinVar (database versions not stated): ExAC 0.00001.

Submission:

Labcorp Genetics (formerly Invitae), Labcorp
Classification: Uncertain significance for Peroxisome biogenesis disorder 5A (Zellweger). Last evaluated: 2022-08-22. Review status: criteria provided, single submitter. Criteria: Invitae Variant Classification Sherloc (09022015). Collection method: clinical testing. Allele origin: germline.
Comment: This sequence change replaces alanine, which is neutral and non-polar, with threonine, which is neutral and polar, at codon 28 of the PEX2 protein (p.Ala28Thr). This variant is present in population databases (rs775818070, gnomAD 0.0009%). This variant has not been reported in the literature in individuals affected with PEX2-related conditions. Algorithms developed to predict the effect of missense changes on protein structure and function are either unavailable or do not agree on the potential impact of this missense change (SIFT: "Tolerated"; PolyPhen-2: "Possibly Damaging"; Align-GVGD: "Class C0"). In summary, the available evidence is currently insufficient to determine the role of this variant in disease. Therefore, it has been classified as a Variant of Uncertain Significance.